The following is an entry in ClinVar:

NM_001009944.3(PKD1):c.5505G>A (p.Val1835=)

Gene: PKD1 (polycystin 1, transient receptor potential channel interacting; minus strand). Cytogenetic location: 16p13.3.
Variant type: single nucleotide variant.
Coding change: c.5505G>A on transcript NM_001009944.3 (MANE Select); coding-DNA position 5505, G replaced by A.
Protein change: p.Val1835=; no amino-acid change (valine 1835 retained).
Molecular consequence: synonymous variant.
Genome position (GRCh38, 1-based): chr16:2,109,662, C>T on the plus strand (G>A on the coding strand, the complement: PKD1 is on the minus strand). VCF-style: chr16-2109662-C-T. GRCh37 (hg19) VCF-style: chr16-2159663-C-T.
Other names: c.5505G>A, p.Val1835= (NM_000296.4).
Identifiers: ClinVar variation 4979253 (VCV004979253.1).

ClinVar aggregate classification (germline): Likely benign (1 of 4 stars; one submission).

Conditions:
PKD1-related disorder. Also called: PKD1-related condition.

gnomAD v4.1: 24 of 1,588,340 alleles (0.0015%); highest among the groups gnomAD compares: Admixed American, 0.02%; no homozygotes.

Submission:

PreventionGenetics, part of Exact Sciences
Classification: Likely benign for PKD1-related condition. Last evaluated: 2026-07-23. Review status: criteria provided, single submitter. Criteria: ACMG Guidelines, 2015. Collection method: clinical testing. Allele origin: germline.
Comment: This variant is classified as likely benign based on ACMG/AMP sequence variant interpretation guidelines (Richards et al. 2015 PMID: 25741868, with internal and published modifications).